The following is an entry in ClinVar:

NM_001042492.3(NF1):c.7981T>C (p.Leu2661=)

Gene: NF1 (neurofibromin 1; plus strand). Cytogenetic location: 17q11.2.
Variant type: single nucleotide variant.
Coding change: c.7981T>C on transcript NM_001042492.3 (MANE Select); coding-DNA position 7981, T replaced by C.
Protein change: p.Leu2661=; no amino-acid change (leucine 2661 retained).
Molecular consequence: synonymous variant.
Genome position (GRCh38, 1-based): chr17:31,358,490, T>C. VCF-style: chr17-31358490-T-C. GRCh37 (hg19) VCF-style: chr17-29685508-T-C.
Other names: c.7918T>C, p.Leu2640= (NM_000267.4).
Identifiers: ClinVar variation 231350 (VCV000231350.20), dbSNP rs777848844, ClinGen allele CA8487718.
Genomic context (GRCh38, chr17:31,358,490, plus strand): 5'-ATTTAATTTTCCTCTAAAATGTTCCTCTGTTGACTTTTTTTTTCTTTTAGGCATAATTTG[T>C]TGGACTCTAAGATCAACACCCTGTTATCATTGTGCCAAGATCCAAATTTGTTAAATCCAA-3'
Protein context (NP_001035957.1, residues 2651-2671): PKVFPVVHNL[Leu2661=]DSKINTLLSL

ClinVar aggregate classification (germline): Benign/Likely benign. Review status: criteria provided, multiple submitters, no conflicts (2 of 4 stars). 7 submissions from 7 submitters: Benign (1); Likely benign (5). 1 of the submissions does not count toward it. Last evaluated 2026-05-22.

Conditions:
NF1-related disorder. Also called: NF1-related condition. Identifiers: MedGen CN379171.
Hereditary cancer-predisposing syndrome. Also called: Hereditary neoplastic syndrome; Neoplastic Syndromes, Hereditary; Hereditary Cancer Syndrome; Tumor predisposition. Identifiers: Orphanet 140162, MedGen C0027672, MeSH D009386, MONDO:0015356.
Neurofibromatosis, type 1 (NF1). Also called: NEUROFIBROMATOSIS, TYPE I, SOMATIC; Neurofibromatosis, type I; VON RECKLINGHAUSEN DISEASE; Peripheral type neurofibromatosis. Identifiers: Orphanet 636, MedGen C0027831, MONDO:0018975, OMIM 162200. Disease mechanism: loss of function.

Allele frequency attached by ClinVar (database versions not stated): gnomAD exomes 0.00001 and 0.00003; gnomAD 0.00001; ExAC 0.00002; TOPMed 0.00002.
gnomAD v4.1: 42 of 1,613,778 alleles (0.0026%); highest among the groups gnomAD compares: Non-Finnish European, 0.0035%; no homozygotes.

Submissions (7):

Myriad Genetics, Inc.
Classification: Benign for Neurofibromatosis, type 1. Last evaluated: 2026-05-22. Review status: criteria provided, single submitter. Criteria: Myriad Autosomal Dominant, Autosomal Recessive and X-Linked Classification Criteria (2023). Collection method: clinical testing. Allele origin: unknown.
Comment: This variant is considered benign. This variant is a silent/synonymous amino acid change and it is not expected to impact splicing.

Labcorp Genetics (formerly Invitae), Labcorp
Classification: Likely benign for Neurofibromatosis, type 1. Last evaluated: 2026-01-21. Review status: criteria provided, single submitter. Criteria: Invitae Variant Classification Sherloc (09022015). Collection method: clinical testing. Allele origin: germline.

Genome-Nilou Lab
Classification: Likely benign for Neurofibromatosis, type 1. Last evaluated: 2022-03-15. Review status: criteria provided, single submitter. Criteria: ACMG Guidelines, 2015. Collection method: clinical testing. Allele origin: germline. Affected: no.

Sema4
Classification: Likely benign for Hereditary cancer-predisposing syndrome. Last evaluated: 2020-08-11. Review status: criteria provided, single submitter. Criteria: Sema4 Curation Guidelines. Collection method: curation. Allele origin: germline.

GeneDx
Classification: Likely benign. Last evaluated: 2019-02-01. Review status: criteria provided, single submitter. Criteria: GeneDx Variant Classification Process June 2021. Collection method: clinical testing. Allele origin: germline. Affected: yes.

Ambry Genetics
Classification: Likely benign for Hereditary cancer-predisposing syndrome. Last evaluated: 2015-04-14. Review status: criteria provided, single submitter. Criteria: Ambry Autosomal Dominant and X-Linked criteria (10/2015). Collection method: clinical testing. Allele origin: germline. Observed: 1 variant allele.

PreventionGenetics, part of Exact Sciences
Classification: Likely benign for NF1-related condition. Last evaluated: 2020-02-12. Review status: no assertion criteria provided. Collection method: clinical testing. Allele origin: germline. Not counted in ClinVar's aggregate classification.
Comment: This variant is classified as likely benign based on ACMG/AMP sequence variant interpretation guidelines (Richards et al. 2015 PMID: 25741868, with internal and published modifications).